The following is an entry in ClinVar:

ClinVar aggregate classification (germline): Conflicting classifications of pathogenicity. Review status: criteria provided, conflicting classifications (1 of 4 stars). 2 submissions from 2 submitters: Uncertain significance (1); Likely benign (1). Last evaluated 2022-09-01.

Conditions:
Early-infantile DEE. Also called: Early infantile epileptic encephalopathy with suppression bursts; Early infantile epileptic encephalopathy; Ohtahara syndrome. Identifiers: Orphanet 1934, MedGen C0393706, MONDO:0800491.

Allele frequency attached by ClinVar (database versions not stated): gnomAD exomes 0.00001 and 0.00002; ExAC 0.00004.
gnomAD v4.1: 7 of 1,613,942 alleles (0.00043%); highest among the groups gnomAD compares: Non-Finnish European, 0.00059%; no homozygotes.

Submissions (2):

Labcorp Genetics (formerly Invitae), Labcorp
Classification: Likely benign for Early-infantile DEE. Last evaluated: 2022-09-01. Review status: criteria provided, single submitter. Criteria: Invitae Variant Classification Sherloc (09022015). Collection method: clinical testing. Allele origin: germline.

GeneDx
Classification: Uncertain significance. Last evaluated: 2022-07-14. Review status: criteria provided, single submitter. Criteria: GeneDx Variant Classification Process June 2021. Collection method: clinical testing. Allele origin: germline. Affected: yes.
Comment: Missense variants in this gene are often considered pathogenic (HGMD); In silico analysis supports that this missense variant has a deleterious effect on protein structure/function; Has not been previously published as pathogenic or benign to our knowledge; This substitution is predicted to be in the cytoplasmic loop between the first and second homologous domains

NM_001165963.4(SCN1A):c.2085T>G (p.Ser695Arg)

Gene: SCN1A (sodium voltage-gated channel alpha subunit 1; minus strand). Cytogenetic location: 2q24.3.
Variant type: single nucleotide variant.
Coding change: c.2085T>G on transcript NM_001165963.4 (MANE Select); coding-DNA position 2085, T replaced by G.
Protein change: p.Ser695Arg; replaces serine 695 with arginine.
Molecular consequence: missense variant. On other transcripts: 5 prime UTR variant (1), non-coding transcript variant (1).
Genome position (GRCh38, 1-based): chr2:166,042,383, A>C on the plus strand (T>G on the coding strand, the complement: SCN1A is on the minus strand). VCF-style: chr2-166042383-A-C. GRCh37 (hg19) VCF-style: chr2-166898893-A-C.
Other names: c.2001T>G, p.Ser667Arg (NM_001165964.3, NM_001353957.2, NM_001353958.2); c.2085T>G, p.Ser695Arg (NM_001202435.3, NM_001353948.2); c.2052T>G, p.Ser684Arg (NM_001353949.2, NM_001353950.2, NM_001353951.2 and 2 more transcripts); c.2049T>G, p.Ser683Arg (NM_001353954.2, NM_001353955.2); c.1998T>G, p.Ser666Arg (NM_001353960.2); c.-374T>G (NM_001353961.2); short protein forms S683R, S695R, S666R, S667R, S684R.
Identifiers: ClinVar variation 1353564 (VCV001353564.10), dbSNP rs764865083, ClinGen allele CA1943192.